The following is an entry in ClinVar:

NM_001457.4(FLNB):c.576_577delinsAC (p.Lys193Gln)

Gene: FLNB (filamin B; plus strand). Cytogenetic location: 3p14.3.
Variant type: Indel.
Coding change: c.576_577delinsAC on transcript NM_001457.4 (MANE Select); coding-DNA positions 576 to 577, GA replaced by AC.
Protein change: p.Lys193Gln; replaces lysine 193 with glutamine.
Molecular consequence: missense variant.
Genome position (GRCh38, 1-based): chr3:58,078,751-58,078,752, GA replaced by AC. VCF-style: chr3-58078751-GA-AC. GRCh37 (hg19) VCF-style: chr3-58064478-GA-AC.
Other names: c.576_577delinsAC, p.Lys193Gln (NM_001164317.2, NM_001164318.2, NM_001164319.2); short protein forms K193Q.
Identifiers: ClinVar variation 591803 (VCV000591803.6), dbSNP rs1559677548, ClinGen allele CA891862915.

ClinVar aggregate classification (germline): Uncertain significance. Review status: criteria provided, single submitter (1 of 4 stars). 2 submissions from 2 submitters: Uncertain significance (1). 1 of the submissions does not count toward it. Last evaluated 2021-07-28.

Submissions (2):

Labcorp Genetics (formerly Invitae), Labcorp
Classification: Uncertain significance. Last evaluated: 2021-07-28. Review status: criteria provided, single submitter. Criteria: Invitae Variant Classification Sherloc (09022015). Collection method: clinical testing. Allele origin: germline.
Comment: Experimental studies and prediction algorithms are not available or were not evaluated, and the functional significance of this variant is currently unknown. This sequence change replaces lysine with glutamine at codon 193 of the FLNB protein (p.Lys193Gln). The lysine residue is highly conserved and there is a small physicochemical difference between lysine and glutamine. The frequency data for this variant in the population databases is not available, as this variant may be reported as separate entries in the ExAC database. This variant has not been reported in the literature in individuals affected with FLNB-related conditions. ClinVar contains an entry for this variant (Variation ID: 591803). In summary, the available evidence is currently insufficient to determine the role of this variant in disease. Therefore, it has been classified as a Variant of Uncertain Significance.

Gharavi Laboratory, Columbia University
Classification: Uncertain significance. Last evaluated: 2018-09-16. Review status: no assertion criteria provided. Criteria: ACMG Guidelines, 2015. Collection method: research. Allele origin: germline. Affected: yes. Not counted in ClinVar's aggregate classification.